The following is an entry in ClinVar:

NM_000053.4(ATP7B):c.548C>T (p.Ala183Val)

Gene: ATP7B (ATPase copper transporting beta; minus strand). Cytogenetic location: 13q14.3.
Variant type: single nucleotide variant.
Coding change: c.548C>T on transcript NM_000053.4 (MANE Select); coding-DNA position 548, C replaced by T.
Protein change: p.Ala183Val; replaces alanine 183 with valine.
Molecular consequence: missense variant.
Genome position (GRCh38, 1-based): chr13:51,974,672, G>A on the plus strand (C>T on the coding strand, the complement: ATP7B is on the minus strand). VCF-style: chr13-51974672-G-A. GRCh37 (hg19) VCF-style: chr13-52548808-G-A.
Other names: c.548C>T, p.Ala183Val (NM_001005918.3, NM_001243182.2, NM_001330578.2 and 1 more transcripts); short protein forms A183V.
Identifiers: ClinVar variation 1163066 (VCV001163066.6), dbSNP rs760140568, ClinGen allele CA6989539.

ClinVar aggregate classification (germline): Uncertain significance. Review status: criteria provided, multiple submitters, no conflicts (2 of 4 stars). 2 submissions from 2 submitters: Uncertain significance (2). Last evaluated 2023-07-26.

Conditions:
Wilson disease (WND). Also called: Wilson's disease. Identifiers: Orphanet 905, MedGen C0019202, MONDO:0010200, OMIM 277900. Disease mechanism: loss of function.

Allele frequency attached by ClinVar (database versions not stated): gnomAD 0.00001; gnomAD exomes 0.00001 and 0.00002; ExAC 0.00002; TOPMed 0.00002.
gnomAD v4.1: 7 of 1,610,888 alleles (0.00043%); highest among the groups gnomAD compares: Admixed American, 0.01%; no homozygotes.

Submissions (2):

Color Diagnostics, LLC DBA Color Health
Classification: Uncertain significance for Wilson disease. Last evaluated: 2023-07-26. Review status: criteria provided, single submitter. Criteria: ACMG Guidelines, 2015. Collection method: clinical testing. Allele origin: germline.
Comment: This missense variant replaces alanine with valine at codon 183 of the ATP7B protein. Computational prediction is inconclusive regarding the impact of this variant on protein structure and function. To our knowledge, functional studies have not been reported for this variant. This variant has not been reported in individuals affected with ATP7B-related disorders in the literature. This variant has been identified in 5/280436 chromosomes in the general population by the Genome Aggregation Database (gnomAD). The available evidence is insufficient to determine the role of this variant in disease conclusively. Therefore, this variant is classified as a Variant of Uncertain Significance.

Mayo Clinic Laboratories, Mayo Clinic
Classification: Uncertain significance. Last evaluated: 2019-07-08. Review status: criteria provided, single submitter. Criteria: ACMG Guidelines, 2015. Collection method: clinical testing. Allele origin: germline. Observed: 1 variant allele.